The following is an entry in ClinVar:

ClinVar aggregate classification (germline): Uncertain significance (1 of 4 stars; one submission).

Submission:

GeneDx
Classification: Uncertain significance. Last evaluated: 2024-04-23. Review status: criteria provided, single submitter. Criteria: GeneDx Variant Classification Process June 2021. Collection method: clinical testing. Allele origin: germline. Affected: yes.
Comment: In silico analysis does not support a benign or deleterious effect of this variant on protein structure/function; Has not been previously published as pathogenic or benign to our knowledge

NM_001372044.2(SHANK3):c.3877G>A (p.Gly1293Arg)

Gene: SHANK3 (SH3 and multiple ankyrin repeat domains 3; plus strand). Cytogenetic location: 22q13.33.
Variant type: single nucleotide variant.
Coding change: c.3877G>A on transcript NM_001372044.2 (MANE Select); coding-DNA position 3877, G replaced by A.
Protein change: p.Gly1293Arg; replaces glycine 1293 with arginine.
Molecular consequence: missense variant.
Genome position (GRCh38, 1-based): chr22:50,721,485, G>A. VCF-style: chr22-50721485-G-A. GRCh37 (hg19) VCF-style: chr22-51159913-G-A.
Other names: c.3652G>A (NM_033517.1); short protein forms G1293R.
Identifiers: ClinVar variation 3372955 (VCV003372955.1).